The following is an entry in ClinVar:

NM_006147.4(IRF6):c.1060G>A (p.Asp354Asn)

Gene: IRF6 (interferon regulatory factor 6; minus strand). Cytogenetic location: 1q32.2.
Variant type: single nucleotide variant.
Coding change: c.1060G>A on transcript NM_006147.4 (MANE Select); coding-DNA position 1060, G replaced by A.
Protein change: p.Asp354Asn; replaces aspartic acid 354 with asparagine.
Molecular consequence: missense variant.
Genome position (GRCh38, 1-based): chr1:209,790,495, C>T on the plus strand (G>A on the coding strand, the complement: IRF6 is on the minus strand). VCF-style: chr1-209790495-C-T. GRCh37 (hg19) VCF-style: chr1-209963840-C-T.
Other names: c.775G>A, p.Asp259Asn (NM_001206696.2); short protein forms D259N, D354N.
Identifiers: ClinVar variation 957538 (VCV000957538.20), dbSNP rs200808685, ClinGen allele CA1377217.

ClinVar aggregate classification (germline): Conflicting classifications of pathogenicity. Review status: criteria provided, conflicting classifications (1 of 4 stars). 6 submissions from 6 submitters: Uncertain significance (4); Likely benign (2). Last evaluated 2026-06-01.

Conditions:
Orofacial cleft 6, susceptibility to (OFC6). Also called: CLEFT LIP WITH OR WITHOUT CLEFT PALATE, NONSYNDROMIC, 6. Identifiers: MedGen C1837213, MONDO:0012141, OMIM 608864.
Popliteal pterygium syndrome (PPS). Identifiers: Orphanet 294963, MedGen C0265259, MONDO:0017435.
Van der Woude syndrome. Identifiers: Orphanet 888, MedGen C0175697, MONDO:0019508.
IRF6-related condition. Also called: IRF6-Related Disorders; IRF6-related disorder. Identifiers: MedGen CN378148, MONDO:1040010.

Allele frequency attached by ClinVar (database versions not stated): TOPMed 0.00014; gnomAD exomes 0.00018 and 0.00023; gnomAD 0.00019 and 0.00020; ExAC 0.00031; ESP Exome Variant Server 0.00031.

Submissions (11):

CeGaT Center for Human Genetics Tuebingen
Classification: Likely benign. Last evaluated: 2026-06-01. Review status: criteria provided, single submitter. Criteria: CeGaT Center For Human Genetics Tuebingen Variant Classification Criteria Version 2. Collection method: clinical testing. Allele origin: germline. Affected: yes. Observed: 1 variant allele.
Comment: IRF6: BS2

PreventionGenetics, part of Exact Sciences
Classification: Uncertain significance for IRF6-related condition. Last evaluated: 2026-01-28. Review status: criteria provided, single submitter. Criteria: ACMG Guidelines, 2015. Collection method: clinical testing. Allele origin: germline.
Comment: The IRF6 c.1060G>A variant is predicted to result in the amino acid substitution p.Asp354Asn. To our knowledge, this variant has not been reported in the literature. This variant is reported in 0.041% of alleles in individuals of European (Non-Finnish) descent in gnomAD. Although we suspect that this variant may be benign, at this time, the clinical significance of this variant is uncertain due to the absence of conclusive functional and genetic evidence.

Labcorp Genetics (formerly Invitae), Labcorp
Classification: Uncertain significance for Orofacial cleft 6, susceptibility to; Van der Woude syndrome; Popliteal pterygium syndrome. Last evaluated: 2025-12-01. Review status: criteria provided, single submitter. Criteria: Invitae Variant Classification Sherloc (09022015). Collection method: clinical testing. Allele origin: germline.
Comment: This sequence change replaces aspartic acid, which is acidic and polar, with asparagine, which is neutral and polar, at codon 354 of the IRF6 protein (p.Asp354Asn). This variant is present in population databases (rs200808685, gnomAD 0.04%), and has an allele count higher than expected for a pathogenic variant. This missense change has been observed in individual(s) with cleft lip and/or palate and/or Van der Woude syndrome (PMID: 19449419, 23154523, 23394314, 35778651). ClinVar contains an entry for this variant (Variation ID: 957538). An algorithm developed to predict the effect of missense changes on protein structure and function (PolyPhen-2) suggests that this variant is likely to be tolerated. Algorithms developed to predict the effect of sequence changes on RNA splicing suggest that this variant may disrupt the consensus splice site. In summary, the available evidence is currently insufficient to determine the role of this variant in disease. Therefore, it has been classified as a Variant of Uncertain Significance.

GeneDx
Classification: Uncertain significance. Last evaluated: 2025-01-25. Review status: criteria provided, single submitter. Criteria: GeneDx Variant Classification Process June 2021. Collection method: clinical testing. Allele origin: germline. Affected: yes.
Comment: Identified in both affected and unaffected members of families with nonsyndromic orofacial clefting (PMID: 19449419, 35778651); In silico analysis indicates that this missense variant does not alter protein structure/function; This variant is associated with the following publications: (PMID: 22440537, 23394314, 26346622, 28945736, 35778651, 19449419, 23154523)

Blueprint Genetics
Classification: Likely benign. Last evaluated: 2024-11-13. Review status: criteria provided, single submitter. Criteria: ACMG Guidelines, 2015. Collection method: clinical testing. Allele origin: germline.

Institute for Clinical Genetics, University Hospital TU Dresden, University Hospital TU Dresden
Classification: Uncertain significance. Last evaluated: 2021-11-03. Review status: criteria provided, single submitter. Criteria: ACMG Guidelines, 2015. Collection method: clinical testing. Allele origin: germline.

Dr. Peter K. Rogan Lab, Western University
No classification provided (evidence only). Condition: Familial cancer of breast. Review status: no classification provided. Collection method: in vitro. Allele origin: not applicable. Functional consequence: skipped exon, retained intron. Not counted in ClinVar's aggregate classification.

Dr. Peter K. Rogan Lab, Western University
No classification provided (evidence only). Condition: Colorectal cancer. Review status: no classification provided. Collection method: in vitro. Allele origin: not applicable. Functional consequence: skipped exon, retained intron. Not counted in ClinVar's aggregate classification.

Dr. Peter K. Rogan Lab, Western University
No classification provided (evidence only). Condition: Thyroid cancer, nonmedullary, 1. Review status: no classification provided. Collection method: in vitro. Allele origin: not applicable. Functional consequence: skipped exon. Not counted in ClinVar's aggregate classification.

Dr. Peter K. Rogan Lab, Western University
No classification provided (evidence only). Condition: Gastric cancer. Review status: no classification provided. Collection method: in vitro. Allele origin: not applicable. Functional consequence: retained intron. Not counted in ClinVar's aggregate classification.

Dr. Peter K. Rogan Lab, Western University
No classification provided (evidence only). Condition: Nonpapillary renal cell carcinoma. Review status: no classification provided. Collection method: in vitro. Allele origin: not applicable. Functional consequence: skipped exon. Not counted in ClinVar's aggregate classification.

Literature cited by the submitters: PubMed 19449419 (cited by Labcorp Genetics (formerly Invitae), Labcorp); PubMed 23154523 (cited by Labcorp Genetics (formerly Invitae), Labcorp); PubMed 23394314 (cited by Labcorp Genetics (formerly Invitae), Labcorp); PubMed 35778651 (cited by Labcorp Genetics (formerly Invitae), Labcorp).